The following is an entry in ClinVar:

NM_053025.4(MYLK):c.2165G>A (p.Trp722Ter)

Gene: MYLK (myosin light chain kinase; minus strand). Cytogenetic location: 3q21.1.
Variant type: single nucleotide variant.
Coding change: c.2165G>A on transcript NM_053025.4 (MANE Select); coding-DNA position 2165, G replaced by A.
Protein change: p.Trp722Ter; replaces tryptophan 722 with a stop codon.
Molecular consequence: nonsense.
Genome position (GRCh38, 1-based): chr3:123,707,979, C>T on the plus strand (G>A on the coding strand, the complement: MYLK is on the minus strand). VCF-style: chr3-123707979-C-T. GRCh37 (hg19) VCF-style: chr3-123426826-C-T.
Other names: c.1637G>A, p.Trp546Ter (NM_001321309.2); c.1958G>A, p.Trp653Ter (NM_053026.4, NM_053028.4); c.2165G>A, p.Trp722Ter (NM_053027.4); short protein forms W722*, W653*, W546*.
Identifiers: ClinVar variation 574331 (VCV000574331.6), dbSNP rs776115724, ClinGen allele CA068234.

ClinVar aggregate classification (germline): Uncertain significance (1 of 4 stars; one submission).

Conditions:
Aortic aneurysm, familial thoracic 7 (AAT7). Also called: AORTIC DISSECTION, FAMILIAL, WITH OR WITHOUT AORTIC ANEURYSM. Identifiers: MedGen C3151077, MONDO:0013418, OMIM 613780.

Allele frequency attached by ClinVar (database versions not stated): gnomAD exomes below 0.00001 and 0.00001; TOPMed below 0.00001; ExAC 0.00001.
gnomAD v4.1: 21 of 1,614,132 alleles (0.0013%); highest among the groups gnomAD compares: Non-Finnish European, 0.0018%; no homozygotes.

Submission:

Labcorp Genetics (formerly Invitae), Labcorp
Classification: Uncertain significance for Aortic aneurysm, familial thoracic 7. Last evaluated: 2018-01-14. Review status: criteria provided, single submitter. Criteria: Invitae Variant Classification Sherloc (09022015). Collection method: clinical testing. Allele origin: germline.
Comment: In summary, the available evidence is currently insufficient to determine the role of this variant in disease. Therefore, it has been classified as a Variant of Uncertain Significance. This variant occurs in the long isoform of MYLK (PMID: 21055718). The current clinical and genetic evidence is not sufficient to establish whether loss-of-function variants in the long isoform of MYLK cause disease. This variant has not been reported in the literature in individuals with MYLK-related disease. This variant is present in population databases (rs776115724, ExAC 0.002%). This sequence change creates a premature translational stop signal (p.Trp722*) in the MYLK gene. It is expected to result in an absent or disrupted protein product.

Literature cited by the submitters: PubMed 21055718.